The following is an entry in ClinVar:

ClinVar aggregate classification (germline): Pathogenic (1 of 4 stars; one submission).

Conditions:
Fanconi anemia (FA). Also called: Fanconi's anemia. Identifiers: Orphanet 84, MedGen C0015625, MeSH D005199, MONDO:0019391.

Submission:

Labcorp Genetics (formerly Invitae), Labcorp
Classification: Pathogenic for Fanconi anemia. Last evaluated: 2024-05-07. Review status: criteria provided, single submitter. Criteria: Invitae Variant Classification Sherloc (09022015). Collection method: clinical testing. Allele origin: germline.
Comment: This sequence change creates a premature translational stop signal (p.Thr928Leufs*61) in the FANCA gene. It is expected to result in an absent or disrupted protein product. Loss-of-function variants in FANCA are known to be pathogenic (PMID: 19367192). This variant is not present in population databases (gnomAD no frequency). This variant has not been reported in the literature in individuals affected with FANCA-related conditions. For these reasons, this variant has been classified as Pathogenic.

Literature cited by the submitters: PubMed 19367192.

NM_000135.4(FANCA):c.2782del (p.Thr928fs)

Gene: FANCA (FA complementation group A; minus strand). Cytogenetic location: 16q24.3.
Variant type: Deletion.
Coding change: c.2782del on transcript NM_000135.4 (MANE Select); coding-DNA position 2782, one base deleted (A; older notation c.2782delA).
Protein change: p.Thr928fs; shifts the reading frame from threonine 928.
Molecular consequence: frameshift variant.
Genome position (GRCh38, 1-based): chr16:89,762,019, T deleted on the plus strand (A on the coding strand, the reverse complement: FANCA is on the minus strand); the first of 2 consecutive T bases (chr16:89,762,019-89,762,020); deleting either gives the same sequence. VCF-style (leftmost placement, unchanged base first): chr16-89762018-GT-G. GRCh37 (hg19) VCF-style: chr16-89828426-GT-G.
Other names: c.2782del, p.Thr928fs (NM_001286167.3); short protein forms T928fs.
Identifiers: ClinVar variation 3686886 (VCV003686886.2).
Genomic context (GRCh38, chr16:89,762,018, plus strand): 5'-TCTGAAAGAGCATCAGCTTCAGGTTGAATTTCCAGCTCCAGGTGTAACCAGTCTTGGTAA[GT>G]TAACTGAGAAAGAGAGCAAGCAATTCAATACAATGAGGACAGAACACACAATCCACCGAC-3'